The following is an entry in ClinVar:

NM_001291303.3(FAT4):c.11380C>T (p.Arg3794Trp)

Gene: FAT4 (FAT atypical cadherin 4; plus strand). Cytogenetic location: 4q28.1.
Variant type: single nucleotide variant.
Coding change: c.11380C>T on transcript NM_001291303.3 (MANE Select); coding-DNA position 11380, C replaced by T.
Protein change: p.Arg3794Trp; replaces arginine 3794 with tryptophan.
Molecular consequence: missense variant.
Genome position (GRCh38, 1-based): chr4:125,452,390, C>T. VCF-style: chr4-125452390-C-T. GRCh37 (hg19) VCF-style: chr4-126373545-C-T.
Other names: c.11380C>T, p.Arg3794Trp (NM_001291285.3); c.11374C>T, p.Arg3792Trp (NM_024582.6); c.11380C>T (NM_001291303.1); short protein forms R3792W, R3794W.
Identifiers: ClinVar variation 1214575 (VCV001214575.20), dbSNP rs201859188, ClinGen allele CA3073841.

ClinVar aggregate classification (germline): Conflicting classifications of pathogenicity. Review status: criteria provided, conflicting classifications (1 of 4 stars). 5 submissions from 5 submitters: Uncertain significance (4); Likely benign (1). Last evaluated 2026-01-26.

Conditions:
FAT4-related disorder. Also called: FAT4-related condition.
Inborn genetic diseases. Identifiers: MedGen C0950123, MeSH D030342.

Allele frequency attached by ClinVar (database versions not stated): ESP Exome Variant Server 0.00008; ExAC 0.00016; gnomAD exomes 0.00016 and 0.00020; gnomAD 0.00018 and 0.00020; TOPMed 0.00028.
gnomAD v4.1: 272 of 1,614,028 alleles (0.017%); highest among the groups gnomAD compares: Middle Eastern, 0.082%; no homozygotes.

Submissions (5):

Labcorp Genetics (formerly Invitae), Labcorp
Classification: Likely benign. Last evaluated: 2026-01-26. Review status: criteria provided, single submitter. Criteria: Invitae Variant Classification Sherloc (09022015). Collection method: clinical testing. Allele origin: germline.

GeneDx
Classification: Uncertain significance. Last evaluated: 2024-10-23. Review status: criteria provided, single submitter. Criteria: GeneDx Variant Classification Process June 2021. Collection method: clinical testing. Allele origin: germline. Affected: yes.
Comment: In silico analysis supports that this missense variant has a deleterious effect on protein structure/function; Has not been previously published as pathogenic or benign to our knowledge

ARUP Laboratories, Molecular Genetics and Genomics, ARUP Laboratories
Classification: Uncertain significance. Last evaluated: 2023-11-22. Review status: criteria provided, single submitter. Criteria: ARUP Molecular Germline Variant Investigation Process 2024. Collection method: clinical testing. Allele origin: germline.

PreventionGenetics, part of Exact Sciences
Classification: Uncertain significance for FAT4-related condition. Last evaluated: 2023-03-09. Review status: criteria provided, single submitter. Criteria: ACMG Guidelines, 2015. Collection method: clinical testing. Allele origin: germline.
Comment: The FAT4 c.11380C>T variant is predicted to result in the amino acid substitution p.Arg3794Trp. To our knowledge, this variant has not been reported in the literature. This variant is reported in 0.051% of alleles in individuals of Latino descent in gnomAD. Although we suspect that this variant may be benign, at this time, the clinical significance of this variant is uncertain due to the absence of conclusive functional and genetic evidence.

Ambry Genetics
Classification: Uncertain significance for Inborn genetic diseases. Last evaluated: 2021-09-29. Review status: criteria provided, single submitter. Criteria: Ambry Variant Classification Scheme 2023. Collection method: clinical testing. Allele origin: germline.